The following is an entry in ClinVar:

NM_000540.3(RYR1):c.8082G>T (p.Glu2694Asp)

Gene: RYR1 (ryanodine receptor 1; plus strand). Cytogenetic location: 19q13.2.
Variant type: single nucleotide variant.
Coding change: c.8082G>T on transcript NM_000540.3 (MANE Select); coding-DNA position 8082, G replaced by T.
Protein change: p.Glu2694Asp; replaces glutamic acid 2694 with aspartic acid.
Molecular consequence: missense variant.
Genome position (GRCh38, 1-based): chr19:38,504,762, G>T. VCF-style: chr19-38504762-G-T. GRCh37 (hg19) VCF-style: chr19-38995402-G-T.
Other names: c.8082G>T, p.Glu2694Asp (NM_001042723.2); short protein forms E2694D.
Identifiers: ClinVar variation 3385464 (VCV003385464.2).
Genomic context (GRCh38, chr19:38,504,762, plus strand): 5'-AAGGCTTATAGCGACCTCCTACCCCTGCTTCACCCGGTTTTCCCAGAAATACGACCCGGA[G>T]CTGTACCGCATGGCCATGCCTTGTCTGTGCGCCATTGCCGGGGCTCTGCCCCCCGACTAT-3'
Protein context (NP_000531.2, residues 2684-2704): DSLAHKKYDP[Glu2694Asp]LYRMAMPCLC

ClinVar aggregate classification (germline): Uncertain significance. Review status: criteria provided, multiple submitters, no conflicts (2 of 4 stars). 2 submissions from 2 submitters: Uncertain significance (2). Last evaluated 2025-07-25.

Conditions:
Malignant hyperthermia, susceptibility to, 1 (MHS1). Also called: Anesthesia related hyperthermia; Malignant hyperpyrexia; Fulminating hyperpyrexia; Pharmacogenic myopathy; Malignant hyperthermia suceptibility 1; RYR1-Related Malignant Hyperthermia Susceptibility. Identifiers: Orphanet 423, MedGen C2930980, MONDO:0007783, OMIM 145600.

gnomAD v4.1: 17 of 1,614,168 alleles (0.0011%); highest among the groups gnomAD compares: Non-Finnish European, 0.0014%; no homozygotes.

Submissions (2):

Color Diagnostics, LLC DBA Color Health
Classification: Uncertain significance for Malignant hyperthermia, susceptibility to, 1. Last evaluated: 2025-07-25. Review status: criteria provided, single submitter. Criteria: ACMG Guidelines, 2015. Collection method: clinical testing. Allele origin: germline.
Comment: This missense variant replaces glutamic acid with aspartic acid at codon 2694 of the RYR1 protein. Computational prediction suggests that this variant may not impact protein structure and function. To our knowledge, functional studies have not been reported for this variant. This variant has not been reported in individuals affected with RYR1-related disorders in the literature. This variant has been identified in 1/251464 chromosomes in the general population by the Genome Aggregation Database (gnomAD). The available evidence is insufficient to determine the role of this variant in disease conclusively. Therefore, this variant is classified as a Variant of Uncertain Significance.

All of Us Research Program, National Institutes of Health
Classification: Uncertain significance for Malignant hyperthermia, susceptibility to, 1. Last evaluated: 2024-09-23. Review status: criteria provided, single submitter. Criteria: ACMG Guidelines, 2015. Collection method: clinical testing. Allele origin: germline. Inheritance: Autosomal dominant inheritance. Observed: 1 variant allele, 1 heterozygote.
Comment: This study involves interpretation of variants in research participants for the purpose of population health screening. Participant phenotype was not available at the time of variant classification. Additional details can be found in publication PMID: 35346344, PMCID: PMC8962531